The following is an entry in ClinVar:

ClinVar aggregate classification (germline): Likely pathogenic (1 of 4 stars; one submission).

Allele frequency attached by ClinVar (database versions not stated): gnomAD exomes below 0.00001.
gnomAD v4.1: 1 of 1,599,010 alleles (0.000063%); highest among the groups gnomAD compares: Non-Finnish European, 0.000086%; no homozygotes.

Submission:

Labcorp Genetics (formerly Invitae), Labcorp
Classification: Likely pathogenic. Last evaluated: 2023-07-17. Review status: criteria provided, single submitter. Criteria: Invitae Variant Classification Sherloc (09022015). Collection method: clinical testing. Allele origin: germline.
Comment: In summary, the currently available evidence indicates that the variant is pathogenic, but additional data are needed to prove that conclusively. Therefore, this variant has been classified as Likely Pathogenic. Algorithms developed to predict the effect of sequence changes on RNA splicing suggest that this variant may disrupt the consensus splice site. This variant has not been reported in the literature in individuals affected with CCDC88C-related conditions. This variant is not present in population databases (gnomAD no frequency). This sequence change affects a donor splice site in intron 2 of the CCDC88C gene. It is expected to disrupt RNA splicing. Variants that disrupt the donor or acceptor splice site typically lead to a loss of protein function (PMID: 16199547), and loss-of-function variants in CCDC88C are known to be pathogenic (PMID: 23042809, 29225145).

Literature cited by the submitters: PubMed 16199547; PubMed 23042809; PubMed 29225145.

NM_001080414.4(CCDC88C):c.161+1G>A

Gene: CCDC88C (coiled-coil and HOOK domain protein 88C; minus strand). Cytogenetic location: 14q32.12.
Variant type: single nucleotide variant.
Coding change: c.161+1G>A on transcript NM_001080414.4 (MANE Select); the canonical splice donor site of the intron after coding-DNA position 161, G replaced by A.
Molecular consequence: splice donor variant.
Genome position (GRCh38, 1-based): chr14:91,416,737, C>T on the plus strand (G>A on the coding strand, the complement: CCDC88C is on the minus strand). VCF-style: chr14-91416737-C-T. GRCh37 (hg19) VCF-style: chr14-91883081-C-T.
Identifiers: ClinVar variation 2792516 (VCV002792516.3), dbSNP rs2544651188, ClinGen allele CA390618549.